The following is an entry in ClinVar:

ClinVar aggregate classification (germline): Uncertain significance (1 of 4 stars; one submission).

gnomAD v4.1: 4 of 1,609,056 alleles (0.00025%); highest among the groups gnomAD compares: Non-Finnish European, 0.00034%; no homozygotes.

Submission:

Dasa
Classification: Uncertain significance. Last evaluated: 2026-01-26. Review status: criteria provided, single submitter. Criteria: DASA Assertion Criteria. Collection method: clinical testing. Allele origin: germline.
Comment: NM_178452.6(DNAAF1):c.863+41G>A is an intronic variant. This variant is rare in population databases. The currently available literature and clinical evidence are not sufficient to establish a definitive association between this variant and the reported condition. Therefore, this variant is classified as a variant of uncertain significance.

NM_178452.6(DNAAF1):c.863+41G>A

Gene: DNAAF1 (dynein axonemal assembly factor 1; plus strand). Cytogenetic location: 16q24.1.
Variant type: single nucleotide variant.
Coding change: c.863+41G>A on transcript NM_178452.6 (MANE Select); 41 bases into the intron after coding-DNA position 863, G replaced by A.
Molecular consequence: intron variant.
Genome position (GRCh38, 1-based): chr16:84,159,837, G>A. VCF-style: chr16-84159837-G-A. GRCh37 (hg19) VCF-style: chr16-84193442-G-A.
Other names: c.107+41G>A (NM_001318756.1).
Identifiers: ClinVar variation 4883282 (VCV004883282.2).